The following is an entry in ClinVar:

ClinVar aggregate classification (germline): Uncertain significance. Review status: criteria provided, multiple submitters, no conflicts (2 of 4 stars). 2 submissions from 2 submitters: Uncertain significance (2). Last evaluated 2022-05-11.

Conditions:
Hypercalcemia, infantile, 1 (HCINF1). Identifiers: Orphanet 300547, MedGen CN031131, MONDO:0020739, OMIM 143880.

Allele frequency attached by ClinVar (database versions not stated): gnomAD 0.00001; gnomAD exomes 0.00001 and 0.00003; TOPMed 0.00001; ExAC 0.00005.
gnomAD v4.1: 20 of 1,580,926 alleles (0.0013%); highest among the groups gnomAD compares: Admixed American, 0.0036%; no homozygotes.

Submissions (2):

Fulgent Genetics
Classification: Uncertain significance for Hypercalcemia, infantile, 1. Last evaluated: 2022-05-11. Review status: criteria provided, single submitter. Criteria: ACMG Guidelines, 2015. Collection method: clinical testing. Allele origin: unknown.

Labcorp Genetics (formerly Invitae), Labcorp
Classification: Uncertain significance. Last evaluated: 2020-08-07. Review status: criteria provided, single submitter. Criteria: Invitae Variant Classification Sherloc (09022015). Collection method: clinical testing. Allele origin: germline.
Comment: This variant has not been reported in the literature in individuals with CYP24A1-related conditions. In summary, the available evidence is currently insufficient to determine the role of this variant in disease. Therefore, it has been classified as a Variant of Uncertain Significance. Advanced modeling of protein sequence and biophysical properties (such as structural, functional, and spatial information, amino acid conservation, physicochemical variation, residue mobility, and thermodynamic stability) performed at Invitae indicates that this missense variant is expected to disrupt CYP24A1 protein function. This variant is present in population databases (rs776627911, ExAC 0.04%). This sequence change replaces proline with serine at codon 59 of the CYP24A1 protein (p.Pro59Ser). The proline residue is highly conserved and there is a moderate physicochemical difference between proline and serine.

NM_000782.5(CYP24A1):c.175C>T (p.Pro59Ser)

Gene: CYP24A1 (cytochrome P450 family 24 subfamily A member 1; minus strand). Cytogenetic location: 20q13.2.
Variant type: single nucleotide variant.
Coding change: c.175C>T on transcript NM_000782.5 (MANE Select); coding-DNA position 175, C replaced by T.
Protein change: p.Pro59Ser; replaces proline 59 with serine.
Molecular consequence: missense variant.
Genome position (GRCh38, 1-based): chr20:54,173,405, G>A on the plus strand (C>T on the coding strand, the complement: CYP24A1 is on the minus strand). VCF-style: chr20-54173405-G-A. GRCh37 (hg19) VCF-style: chr20-52789944-G-A.
Other names: c.175C>T, p.Pro59Ser (NM_001128915.2); short protein forms P59S.
Identifiers: ClinVar variation 1021961 (VCV001021961.9), dbSNP rs776627911, ClinGen allele CA9916260.